The following is an entry in ClinVar:

NM_001330260.2(SCN8A):c.2587A>T (p.Met863Leu)

Gene: SCN8A (sodium voltage-gated channel alpha subunit 8; plus strand). Cytogenetic location: 12q13.13.
Variant type: single nucleotide variant.
Coding change: c.2587A>T on transcript NM_001330260.2 (MANE Select); coding-DNA position 2587, A replaced by T.
Protein change: p.Met863Leu; replaces methionine 863 with leucine.
Molecular consequence: missense variant.
Genome position (GRCh38, 1-based): chr12:51,765,713, A>T. VCF-style: chr12-51765713-A-T. GRCh37 (hg19) VCF-style: chr12-52159497-A-T.
Other names: c.2587A>T, p.Met863Leu (NM_001177984.3, NM_001369788.1, NM_014191.4); short protein forms M863L.
Identifiers: ClinVar variation 3372965 (VCV003372965.1).
Genomic context (GRCh38, chr12:51,765,713, plus strand): 5'-GGTTTTTTTTTTCCTTAGCTCCGAGTCTTCAAATTGGCCAAATCCTGGCCCACCCTGAAC[A>T]TGCTAATCAAGATTATTGGAAATTCAGTGGGTGCCCTGGGCAACCTGACACTGGTGCTGG-3'
Protein context (NP_001317189.1, residues 853-873): KLAKSWPTLN[Met863Leu]LIKIIGNSVG

ClinVar aggregate classification (germline): Uncertain significance (1 of 4 stars; one submission).

Submission:

GeneDx
Classification: Uncertain significance. Last evaluated: 2024-04-23. Review status: criteria provided, single submitter. Criteria: GeneDx Variant Classification Process June 2021. Collection method: clinical testing. Allele origin: germline. Affected: yes.
Comment: Not observed at significant frequency in large population cohorts (gnomAD); In silico analysis indicates that this missense variant does not alter protein structure/function; Has not been previously published as pathogenic or benign to our knowledge; This substitution is predicted to be within the intracellular loop between the S4 and S5 transmembrane segments of the second homologous domain